The following is an entry in ClinVar:

NM_002528.7(NTHL1):c.455C>T (p.Thr152Met)

Gene: NTHL1 (nth like DNA glycosylase 1; minus strand). Cytogenetic location: 16p13.3.
Variant type: single nucleotide variant.
Coding change: c.455C>T on transcript NM_002528.7 (MANE Select); coding-DNA position 455, C replaced by T.
Protein change: p.Thr152Met; replaces threonine 152 with methionine.
Molecular consequence: missense variant. On other transcripts: intron variant (1).
Genome position (GRCh38, 1-based): chr16:2,044,700, G>A on the plus strand (C>T on the coding strand, the complement: NTHL1 is on the minus strand). VCF-style: chr16-2044700-G-A. GRCh37 (hg19) VCF-style: chr16-2094701-G-A.
Other names: c.455C>T, p.Thr152Met (LRG_1366t1); c.125C>T, p.Thr42Met (NM_001318194.2); c.355-974C>T (NM_001318193.2); short protein forms T152M, T42M.
Identifiers: ClinVar variation 645958 (VCV000645958.25), dbSNP rs756403102, ClinGen allele CA7828251.

ClinVar aggregate classification (germline): Uncertain significance. Review status: criteria provided, multiple submitters, no conflicts (2 of 4 stars). 8 submissions from 8 submitters: Uncertain significance (8). Last evaluated 2026-07-02.

Conditions:
NTHL1-related disorder. Also called: NTHL1-related conditions; NTHL1-related condition.
Familial adenomatous polyposis 3. Also called: NTHL1-associated polyposis; NTHL1 Tumor Syndrome; NTHL1-related attenuated familial adenomatous polyposis; NTHL1-Related Adenomatous Polyposis and Colorectal Cancer. Identifiers: Orphanet 220460, Orphanet 454840, MedGen C4225157, MONDO:0014630, OMIM 616415.
Hereditary cancer-predisposing syndrome. Also called: Hereditary Cancer Syndrome; Hereditary neoplastic syndrome; Tumor predisposition; Neoplastic Syndromes, Hereditary. Identifiers: Orphanet 140162, MedGen C0027672, MeSH D009386, MONDO:0015356.

Allele frequency attached by ClinVar (database versions not stated): gnomAD exomes 0.00004; TOPMed 0.00005; gnomAD 0.00006.

Submissions (8):

GeneDx
Classification: Uncertain significance. Last evaluated: 2026-07-02. Review status: criteria provided, single submitter. Criteria: GeneDx Variant Classification Process June 2021. Collection method: clinical testing. Allele origin: germline.
Comment: Not observed at significant frequency in large population cohorts (gnomAD); In silico analysis supports that this missense variant has a deleterious effect on protein structure/function; Has not been previously published as pathogenic or benign to our knowledge

Labcorp Genetics (formerly Invitae), Labcorp
Classification: Uncertain significance. Last evaluated: 2026-01-26. Review status: criteria provided, single submitter. Criteria: Invitae Variant Classification Sherloc (09022015). Collection method: clinical testing. Allele origin: germline.
Comment: This sequence change replaces threonine, which is neutral and polar, with methionine, which is neutral and non-polar, at codon 160 of the NTHL1 protein (p.Thr160Met). This variant is present in population databases (rs756403102, gnomAD 0.006%). This variant has not been reported in the literature in individuals affected with NTHL1-related conditions. ClinVar contains an entry for this variant (Variation ID: 645958). An algorithm developed to predict the effect of missense changes on protein structure and function (PolyPhen-2) suggests that this variant is likely to be disruptive. In summary, the available evidence is currently insufficient to determine the role of this variant in disease. Therefore, it has been classified as a Variant of Uncertain Significance.

Quest Diagnostics Nichols Institute San Juan Capistrano
Classification: Uncertain significance. Last evaluated: 2025-07-24. Review status: criteria provided, single submitter. Criteria: Quest Diagnostics criteria. Collection method: clinical testing. Allele origin: unknown.
Comment: The NTHL1 c.479C>T (p.Thr160Met) variant has not been reported in individuals with NTHL1-related conditions in the published literature. The frequency of this variant in the general population (Genome Aggregation Database) is uninformative in the assessment of its pathogenicity. Analysis of this variant using bioinformatics tools for the prediction of the effect of amino acid changes on protein structure and function yielded conflicting predictions that this variant is benign or damaging. Based on the available information, we are unable to determine the clinical significance of this variant.

Ambry Genetics
Classification: Uncertain significance for Hereditary cancer-predisposing syndrome. Last evaluated: 2025-06-21. Review status: criteria provided, single submitter. Criteria: Ambry Variant Classification Scheme 2023. Collection method: clinical testing. Allele origin: germline.
Comment: The p.T160M variant (also known as c.479C>T), located in coding exon 3 of the NTHL1 gene, results from a C to T substitution at nucleotide position 479. The threonine at codon 160 is replaced by methionine, an amino acid with similar properties. This amino acid position is well conserved in available vertebrate species. In addition, this alteration is predicted to be deleterious by in silico analysis. Since supporting evidence is limited at this time, the clinical significance of this alteration remains unclear.

Molecular Pathology, Peter Maccallum Cancer Centre
Classification: Uncertain significance for Familial adenomatous polyposis 3. Last evaluated: 2025-02-14. Review status: criteria provided, single submitter. Criteria: ACMG Guidelines, 2015. Collection method: clinical testing. Allele origin: germline. Inheritance: Autosomal recessive inheritance.

Baylor Genetics
Classification: Uncertain significance for Familial adenomatous polyposis 3. Last evaluated: 2024-03-09. Review status: criteria provided, single submitter. Criteria: ACMG Guidelines, 2015. Collection method: clinical testing. Allele origin: unknown.

Department of Pathology and Laboratory Medicine, Sinai Health System
Classification: Uncertain significance for Familial adenomatous polyposis 3. Last evaluated: 2023-04-03. Review status: criteria provided, single submitter. Criteria: ACMG Guidelines, 2015. Collection method: clinical testing. Allele origin: germline. Affected: yes.

PreventionGenetics, part of Exact Sciences
Classification: Uncertain significance for NTHL1-related condition. Last evaluated: 2023-03-21. Review status: criteria provided, single submitter. Criteria: ACMG Guidelines, 2015. Collection method: clinical testing. Allele origin: germline.
Comment: The NTHL1 c.479C>T variant is predicted to result in the amino acid substitution p.Thr160Met. To our knowledge, this variant has not been reported in the literature. This variant is reported in 0.0063% of alleles in individuals of European (Non-Finnish) descent in gnomAD and is interpreted as uncertain significance in ClinVar. At this time, the clinical significance of this variant is uncertain due to the absence of conclusive functional and genetic evidence.